The following is an entry in ClinVar:

ClinVar aggregate classification (germline): Uncertain significance. Review status: criteria provided, multiple submitters, no conflicts (2 of 4 stars). 2 submissions from 2 submitters: Uncertain significance (2). Last evaluated 2022-01-11.

Conditions:
Microcephaly, normal intelligence and immunodeficiency (NBS). Also called: IMMUNODEFICIENCY, MICROCEPHALY, AND CHROMOSOMAL INSTABILITY; SEEMANOVA SYNDROME II; Nijmegen breakage syndrome; Microcephaly with normal intelligence immunodeficiency and lymphoreticular malignancies; Nonsyndromal microcephaly autosomal recessive with normal intelligence; Seemanova syndrome 2. Identifiers: Orphanet 647, MedGen C0398791, MONDO:0009623, OMIM 251260.
Hereditary cancer-predisposing syndrome. Also called: Neoplastic Syndromes, Hereditary; Tumor predisposition; Hereditary neoplastic syndrome; Hereditary Cancer Syndrome. Identifiers: Orphanet 140162, MedGen C0027672, MeSH D009386, MONDO:0015356.

Submissions (2):

Labcorp Genetics (formerly Invitae), Labcorp
Classification: Uncertain significance for Microcephaly, normal intelligence and immunodeficiency. Last evaluated: 2022-01-11. Review status: criteria provided, single submitter. Criteria: Invitae Variant Classification Sherloc (09022015). Collection method: clinical testing. Allele origin: germline.
Comment: This sequence change replaces alanine, which is neutral and non-polar, with threonine, which is neutral and polar, at codon 313 of the NBN protein (p.Ala313Thr). In summary, the available evidence is currently insufficient to determine the role of this variant in disease. Therefore, it has been classified as a Variant of Uncertain Significance. Algorithms developed to predict the effect of missense changes on protein structure and function are either unavailable or do not agree on the potential impact of this missense change (SIFT: "Tolerated"; PolyPhen-2: "Probably Damaging"; Align-GVGD: "Class C0"). This variant has not been reported in the literature in individuals affected with NBN-related conditions. This variant is present in population databases (no rsID available, gnomAD 0.003%).

Ambry Genetics
Classification: Uncertain significance for Hereditary cancer-predisposing syndrome. Last evaluated: 2020-01-31. Review status: criteria provided, single submitter. Criteria: Ambry Variant Classification Scheme 2023. Collection method: clinical testing. Allele origin: germline.
Comment: The p.A313T variant (also known as c.937G>A), located in coding exon 8 of the NBN gene, results from a G to A substitution at nucleotide position 937. The alanine at codon 313 is replaced by threonine, an amino acid with similar properties. This amino acid position is highly conserved in available vertebrate species. In addition, this alteration is predicted to be deleterious by in silico analysis. Since supporting evidence is limited at this time, the clinical significance of this alteration remains unclear.

NM_002485.5(NBN):c.937G>A (p.Ala313Thr)

Gene: NBN (nibrin; minus strand). Cytogenetic location: 8q21.3.
Variant type: single nucleotide variant.
Coding change: c.937G>A on transcript NM_002485.5 (MANE Select); coding-DNA position 937, G replaced by A.
Protein change: p.Ala313Thr; replaces alanine 313 with threonine.
Molecular consequence: missense variant.
Genome position (GRCh38, 1-based): chr8:89,964,467, C>T on the plus strand (G>A on the coding strand, the complement: NBN is on the minus strand). VCF-style: chr8-89964467-C-T. GRCh37 (hg19) VCF-style: chr8-90976695-C-T.
Other names: c.691G>A, p.Ala231Thr (NM_001024688.3); short protein forms A231T, A313T.
Identifiers: ClinVar variation 1766743 (VCV001766743.7), dbSNP rs876660584, ClinGen allele CA371657022.
Genomic context (GRCh38, chr8:89,964,467, plus strand): 5'-TACCTGTACTGGGATGGCCCTGAGGATCACAGTAATTCTTTGTAGTCATGAAAATCACCG[C>T]CAATCCAATTTCTGCTTCAGGAATAGGTCTAAGACCTTGCCTATTAGAATAAAATAGTTT-3'
Protein context (NP_002476.2, residues 303-323): RPIPEAEIGL[Ala313Thr]VIFMTTKNYC